The following is an entry in ClinVar:

NM_001492.6(GDF1):c.796G>A (p.Ala266Thr)

Genes: CERS1 (ceramide synthase 1; minus strand), GDF1 (growth differentiation factor 1; minus strand). Cytogenetic location: 19p13.11.
Variant type: single nucleotide variant.
Coding change: c.796G>A on transcript NM_001492.6 (MANE Select); coding-DNA position 796, G replaced by A.
Protein change: p.Ala266Thr; replaces alanine 266 with threonine.
Molecular consequence: missense variant. On other transcripts: 3 prime UTR variant (2).
Genome position (GRCh38, 1-based): chr19:18,868,920, C>T on the plus strand (G>A on the coding strand, the complement: GDF1 is on the minus strand). VCF-style: chr19-18868920-C-T. GRCh37 (hg19) VCF-style: chr19-18979729-C-T.
Other names: c.*1657G>A (NM_001387440.1); c.*1065G>A (NM_021267.5); c.796G>A (NM_001492.4); c.796G>A, p.Ala266Thr (NM_001387438.1); short protein forms A266T.
Identifiers: ClinVar variation 1391444 (VCV001391444.8), dbSNP rs755707666, ClinGen allele CA9317920.

ClinVar aggregate classification (germline): Uncertain significance. Review status: criteria provided, multiple submitters, no conflicts (2 of 4 stars). 3 submissions from 3 submitters: Uncertain significance (3). Last evaluated 2025-11-19.

Allele frequency attached by ClinVar (database versions not stated): gnomAD exomes 0.00004 and 0.00013; TOPMed 0.00009; ExAC 0.00020; gnomAD 0.00004 and 0.00006; 1000 Genomes Project 30x 0.00031.
gnomAD v4.1: 56 of 1,360,168 alleles (0.0041%); highest among the groups gnomAD compares: East Asian, 0.066%; 1 homozygote.

Submissions (3):

Ambry Genetics
Classification: Uncertain significance. Last evaluated: 2025-11-19. Review status: criteria provided, single submitter. Criteria: Ambry Variant Classification Scheme 2023. Collection method: clinical testing. Allele origin: germline.

Labcorp Genetics (formerly Invitae), Labcorp
Classification: Uncertain significance. Last evaluated: 2024-05-20. Review status: criteria provided, single submitter. Criteria: Invitae Variant Classification Sherloc (09022015). Collection method: clinical testing. Allele origin: germline.
Comment: This sequence change replaces alanine, which is neutral and non-polar, with threonine, which is neutral and polar, at codon 266 of the GDF1 protein (p.Ala266Thr). The frequency data for this variant in the population databases is considered unreliable, as metrics indicate poor data quality at this position in the gnomAD database. This variant has not been reported in the literature in individuals affected with GDF1-related conditions. ClinVar contains an entry for this variant (Variation ID: 1391444). Advanced modeling of protein sequence and biophysical properties (such as structural, functional, and spatial information, amino acid conservation, physicochemical variation, residue mobility, and thermodynamic stability) performed at Invitae indicates that this missense variant is not expected to disrupt GDF1 protein function with a negative predictive value of 80%. In summary, the available evidence is currently insufficient to determine the role of this variant in disease. Therefore, it has been classified as a Variant of Uncertain Significance.

Women's Health and Genetics/Laboratory Corporation of America, LabCorp
Classification: Uncertain significance. Last evaluated: 2023-08-19. Review status: criteria provided, single submitter. Criteria: LabCorp Variant Classification Summary - May 2015. Collection method: clinical testing. Allele origin: germline.